The following is an entry in ClinVar:

NM_080680.3(COL11A2):c.997G>A (p.Gly333Arg)

Gene: COL11A2 (collagen type XI alpha 2 chain; minus strand). Cytogenetic location: 6p21.32.
Variant type: single nucleotide variant.
Coding change: c.997G>A on transcript NM_080680.3 (MANE Select); coding-DNA position 997, G replaced by A.
Protein change: p.Gly333Arg; replaces glycine 333 with arginine.
Molecular consequence: missense variant. On other transcripts: intron variant (2).
Genome position (GRCh38, 1-based): chr6:33,184,267, C>T on the plus strand (G>A on the coding strand, the complement: COL11A2 is on the minus strand). VCF-style: chr6-33184267-C-T. GRCh37 (hg19) VCF-style: chr6-33152044-C-T.
Other names: c.798+2360G>A (NM_080679.3); c.861+725G>A (NM_080681.3); short protein forms G333R.
Identifiers: ClinVar variation 1521627 (VCV001521627.8), dbSNP rs2150601430, ClinGen allele CA363608857.

ClinVar aggregate classification (germline): Uncertain significance (1 of 4 stars; one submission).

Submission:

Labcorp Genetics (formerly Invitae), Labcorp
Classification: Uncertain significance. Last evaluated: 2022-06-27. Review status: criteria provided, single submitter. Criteria: Invitae Variant Classification Sherloc (09022015). Collection method: clinical testing. Allele origin: germline.
Comment: This variant has not been reported in the literature in individuals affected with COL11A2-related conditions. This variant is not present in population databases (gnomAD no frequency). This sequence change replaces glycine, which is neutral and non-polar, with arginine, which is basic and polar, at codon 333 of the COL11A2 protein (p.Gly333Arg). Advanced modeling of protein sequence and biophysical properties (such as structural, functional, and spatial information, amino acid conservation, physicochemical variation, residue mobility, and thermodynamic stability) performed at Invitae indicates that this missense variant is not expected to disrupt COL11A2 protein function. In summary, the available evidence is currently insufficient to determine the role of this variant in disease. Therefore, it has been classified as a Variant of Uncertain Significance.